The following is an entry in ClinVar:

NM_004565.3(PEX14):c.1015G>A (p.Glu339Lys)

Gene: PEX14 (peroxisomal biogenesis factor 14; plus strand). Cytogenetic location: 1p36.22.
Variant type: single nucleotide variant.
Coding change: c.1015G>A on transcript NM_004565.3 (MANE Select); coding-DNA position 1015, G replaced by A.
Protein change: p.Glu339Lys; replaces glutamic acid 339 with lysine.
Molecular consequence: missense variant.
Genome position (GRCh38, 1-based): chr1:10,629,868, G>A. VCF-style: chr1-10629868-G-A. GRCh37 (hg19) VCF-style: chr1-10689925-G-A.
Other names: short protein forms E339K.
Identifiers: ClinVar variation 656027 (VCV000656027.9), dbSNP rs1570377732, ClinGen allele CA338339447.

ClinVar aggregate classification (germline): Uncertain significance (1 of 4 stars; one submission).

Conditions:
Peroxisome biogenesis disorder, complementation group K (CGK). Identifiers: MedGen C1866257, MONDO:0800365.

Allele frequency attached by ClinVar (database versions not stated): gnomAD exomes below 0.00001.
gnomAD v4.1: 1 of 1,612,618 alleles (0.000062%); no homozygotes.

Submission:

Labcorp Genetics (formerly Invitae), Labcorp
Classification: Uncertain significance for Peroxisome biogenesis disorder, complementation group K. Last evaluated: 2022-02-24. Review status: criteria provided, single submitter. Criteria: Invitae Variant Classification Sherloc (09022015). Collection method: clinical testing. Allele origin: germline.
Comment: This sequence change replaces glutamic acid, which is acidic and polar, with lysine, which is basic and polar, at codon 339 of the PEX14 protein (p.Glu339Lys). This variant is not present in population databases (gnomAD no frequency). This variant has not been reported in the literature in individuals affected with PEX14-related conditions. ClinVar contains an entry for this variant (Variation ID: 656027). Algorithms developed to predict the effect of missense changes on protein structure and function are either unavailable or do not agree on the potential impact of this missense change (SIFT: "Tolerated"; PolyPhen-2: "Probably Damaging"; Align-GVGD: "Class C0"). In summary, the available evidence is currently insufficient to determine the role of this variant in disease. Therefore, it has been classified as a Variant of Uncertain Significance.